The following is an entry in ClinVar:

ClinVar aggregate classification (germline): Uncertain significance (1 of 4 stars; one submission).

Conditions:
Early Myoclonic Encephalopathy. Identifiers: MedGen C0270855.

Allele frequency attached by ClinVar (database versions not stated): TOPMed below 0.00001.

Submission:

Labcorp Genetics (formerly Invitae), Labcorp
Classification: Uncertain significance for Early Myoclonic Encephalopathy. Last evaluated: 2022-01-13. Review status: criteria provided, single submitter. Criteria: Invitae Variant Classification Sherloc (09022015). Collection method: clinical testing. Allele origin: germline.
Comment: In summary, the available evidence is currently insufficient to determine the role of this variant in disease. Therefore, it has been classified as a Variant of Uncertain Significance. Algorithms developed to predict the effect of missense changes on protein structure and function are either unavailable or do not agree on the potential impact of this missense change (SIFT: "Deleterious"; PolyPhen-2: "Probably Damaging"; Align-GVGD: "Class C0"). ClinVar contains an entry for this variant (Variation ID: 943226). This variant has not been reported in the literature in individuals affected with JMJD1C-related conditions. This variant is not present in population databases (gnomAD no frequency). This sequence change replaces alanine, which is neutral and non-polar, with valine, which is neutral and non-polar, at codon 1834 of the JMJD1C protein (p.Ala1834Val).

NM_032776.3(JMJD1C):c.5501C>T (p.Ala1834Val)

Gene: JMJD1C (jumonji domain containing 1C; minus strand). Cytogenetic location: 10q21.3.
Variant type: single nucleotide variant.
Coding change: c.5501C>T on transcript NM_032776.3 (MANE Select); coding-DNA position 5501, C replaced by T.
Protein change: p.Ala1834Val; replaces alanine 1834 with valine.
Molecular consequence: missense variant. On other transcripts: non-coding transcript variant (1).
Genome position (GRCh38, 1-based): chr10:63,197,554, G>A on the plus strand (C>T on the coding strand, the complement: JMJD1C is on the minus strand). VCF-style: chr10-63197554-G-A. GRCh37 (hg19) VCF-style: chr10-64957314-G-A.
Other names: c.4955C>T, p.Ala1652Val (NM_001282948.2, NM_001318154.2); c.4637C>T, p.Ala1546Val (NM_001318153.2); c.5387C>T, p.Ala1796Val (NM_001322252.2); c.4844C>T, p.Ala1615Val (NM_001322254.2, NM_001322258.2); short protein forms A1546V, A1796V, A1834V, A1615V, A1652V.
Identifiers: ClinVar variation 943226 (VCV000943226.9), dbSNP rs1845589385, ClinGen allele CA377031164.
Genomic context (GRCh38, chr10:63,197,554, plus strand): 5'-AACAATGTTGCTTCACATGCATCACACATCTCCCGGACTCCTCTCACTGCTCTTTTCCAG[G>A]CAATTTTGGCTGAAATACAGAAAAAACAAAAATTTTAAAGGCAAACATGCTCTTTTCCAA-3'
Protein context (NP_116165.1, residues 1824-1844): LSWVKKDAKI[Ala1834Val]WKRAVRGVRE